The following is an entry in ClinVar:

ClinVar aggregate classification (germline): Likely benign. Review status: criteria provided, multiple submitters, no conflicts (2 of 4 stars). 3 submissions from 3 submitters: Likely benign (2). 1 of the submissions does not count toward it. Last evaluated 2024-12-16.

Conditions:
Congenital myasthenic syndrome 9. Also called: Myasthenic syndrome, congenital, 9, associated with acetylcholine receptor deficiency. Identifiers: Orphanet 590, MedGen C4225368, MONDO:0014587, OMIM 616325.
Fetal akinesia deformation sequence 1 (FADS1). Also called: Pena-Shokeir syndrome type I; Fetal akinesia sequence. Identifiers: Orphanet 994, MedGen C1276035, MONDO:0100101, OMIM 208150, HP:0001989.
MUSK-related disorder. Also called: MUSK-related condition; MUSK-related disorders.

Allele frequency attached by ClinVar (database versions not stated): ExAC 0.00004; gnomAD 0.00005 and 0.00007; gnomAD exomes 0.00005 and 0.00011; TOPMed 0.00005; 1000 Genomes Project 30x 0.00016.
gnomAD v4.1: 175 of 1,613,108 alleles (0.011%); highest among the groups gnomAD compares: Middle Eastern, 0.017%; no homozygotes.

Submissions (3):

Labcorp Genetics (formerly Invitae), Labcorp
Classification: Likely benign for Congenital myasthenic syndrome 9; Fetal akinesia deformation sequence 1. Last evaluated: 2024-12-16. Review status: criteria provided, single submitter. Criteria: Invitae Variant Classification Sherloc (09022015). Collection method: clinical testing. Allele origin: germline.

Athena Diagnostics
Classification: Likely benign. Last evaluated: 2019-12-27. Review status: criteria provided, single submitter. Criteria: Athena Diagnostics Criteria. Collection method: clinical testing. Allele origin: unknown.

PreventionGenetics, part of Exact Sciences
Classification: Likely benign for MUSK-related condition. Last evaluated: 2019-03-05. Review status: no assertion criteria provided. Collection method: clinical testing. Allele origin: germline. Not counted in ClinVar's aggregate classification.
Comment: This variant is classified as likely benign based on ACMG/AMP sequence variant interpretation guidelines (Richards et al. 2015 PMID: 25741868, with internal and published modifications).

NM_005592.4(MUSK):c.1674G>A (p.Pro558=)

Gene: MUSK (muscle associated receptor tyrosine kinase; plus strand). Cytogenetic location: 9q31.3.
Variant type: single nucleotide variant.
Coding change: c.1674G>A on transcript NM_005592.4 (MANE Select); coding-DNA position 1674, G replaced by A.
Protein change: p.Pro558=; no amino-acid change (proline 558 retained).
Molecular consequence: synonymous variant.
Genome position (GRCh38, 1-based): chr9:110,785,614, G>A. VCF-style: chr9-110785614-G-A. GRCh37 (hg19) VCF-style: chr9-113547894-G-A.
Other names: c.1416G>A, p.Pro472= (NM_001166280.2); c.1386G>A, p.Pro462= (NM_001166281.2); c.414G>A, p.Pro138= (NM_001369398.1).
Identifiers: ClinVar variation 705970 (VCV000705970.14), dbSNP rs541645382, ClinGen allele CA5184423.
Genomic context (GRCh38, chr9:110,785,614, plus strand): 5'-ACTGCCTTCTGAGCTCTTACTAGATAGACTTCATCCCAACCCCATGTACCAGAGGATGCC[G>A]CTCCTTCTGAACCCCAAATTGCTCAGCCTGGAGTATCCAAGGAATAACATTGAATATGTG-3'
Protein context (NP_005583.1, residues 548-568): LHPNPMYQRM[Pro558=]LLLNPKLLSL